The following is an entry in ClinVar:

NM_001844.5(COL2A1):c.1634A>G (p.Asn545Ser)

Gene: COL2A1 (collagen type II alpha 1 chain; minus strand). Cytogenetic location: 12q13.11.
Variant type: single nucleotide variant.
Coding change: c.1634A>G on transcript NM_001844.5 (MANE Select); coding-DNA position 1634, A replaced by G.
Protein change: p.Asn545Ser; replaces asparagine 545 with serine.
Molecular consequence: missense variant.
Genome position (GRCh38, 1-based): chr12:47,985,774, T>C on the plus strand (A>G on the coding strand, the complement: COL2A1 is on the minus strand). VCF-style: chr12-47985774-T-C. GRCh37 (hg19) VCF-style: chr12-48379557-T-C.
Other names: c.1427A>G, p.Asn476Ser (NM_033150.3); short protein forms N545S, N476S.
Identifiers: ClinVar variation 284988 (VCV000284988.67), dbSNP rs145042175, ClinGen allele CA6535435.
Genomic context (GRCh38, chr12:47,985,774, plus strand): 5'-GCTCTGCTACTTACCCGGGCTCCAGGAAGGCCAGGTTCTCCAGGACGGCCAGGGTCACCG[T>C]TGGCTCCCTTGGGGCCAGCAAGACCACTGGGCCCTCGCTCTCCAGGGGCTCCCTACAAGG-3'
Protein context (NP_001835.3, residues 535-555): PSGLAGPKGA[Asn545Ser]GDPGRPGEPG

ClinVar aggregate classification (germline): Conflicting classifications of pathogenicity. Review status: criteria provided, conflicting classifications (1 of 4 stars). 9 submissions from 8 submitters: Uncertain significance (4); Likely benign (3). 2 of the submissions do not count toward it. Last evaluated 2026-04-01.

Conditions:
Type 2 collagenopathy. Identifiers: Orphanet 93421, MedGen C2931073, MONDO:0022800.
Stickler syndrome type 1 (STL1). Also called: STICKLER SYNDROME, MEMBRANOUS VITREOUS TYPE; STICKLER SYNDROME, VITREOUS TYPE 1; COL2A1-Related Stickler Syndrome; ARTHROOPHTHALMOPATHY, HEREDITARY PROGRESSIVE. Identifiers: Orphanet 828, Orphanet 90653, MedGen C2020284, MONDO:0007160, OMIM 108300.

Allele frequency attached by ClinVar (database versions not stated): gnomAD exomes 0.00013 and 0.00015; ExAC 0.00020; gnomAD 0.00023 and 0.00024; TOPMed 0.00025; ESP Exome Variant Server 0.00054.
gnomAD v4.1: 230 of 1,613,548 alleles (0.014%); highest among the groups gnomAD compares: Middle Eastern, 0.033%; no homozygotes.

Submissions (9):

CeGaT Center for Human Genetics Tuebingen
Classification: Uncertain significance. Last evaluated: 2026-04-01. Review status: criteria provided, single submitter. Criteria: CeGaT Center For Human Genetics Tuebingen Variant Classification Criteria Version 2. Collection method: clinical testing. Allele origin: germline. Affected: yes. Observed: 2 variant alleles.

Labcorp Genetics (formerly Invitae), Labcorp
Classification: Likely benign. Last evaluated: 2026-01-27. Review status: criteria provided, single submitter. Criteria: Invitae Variant Classification Sherloc (09022015). Collection method: clinical testing. Allele origin: germline.

GeneDx
Classification: Uncertain significance. Last evaluated: 2025-05-20. Review status: criteria provided, single submitter. Criteria: GeneDx Variant Classification Process June 2021. Collection method: clinical testing. Allele origin: germline. Affected: yes.
Comment: Has not been previously published as pathogenic or benign to our knowledge; Occurs in the triple helical domain at the Y position in the canonical Gly-X-Y repeat; although this variant may have an effect on normal protein folding and function, missense substitution at the Y position is not a common mechanism of disease (HGMD); In silico analysis suggests that this missense variant does not alter protein structure/function

Blueprint Genetics
Classification: Likely benign. Last evaluated: 2024-11-06. Review status: criteria provided, single submitter. Criteria: ACMG Guidelines, 2015. Collection method: clinical testing. Allele origin: germline.

Eurofins Ntd Llc (ga)
Classification: Uncertain significance. Last evaluated: 2018-04-20. Review status: criteria provided, single submitter. Criteria: EGL ClinVar v180209 classification definitions. Collection method: clinical testing. Allele origin: germline. Observed: 2 variant alleles, 2 heterozygotes.

Illumina Laboratory Services, Illumina
Classification: Uncertain significance for Stickler syndrome type 1. Last evaluated: 2018-01-12. Review status: criteria provided, single submitter. Criteria: ICSL Variant Classification Criteria 13 December 2019. Collection method: clinical testing. Allele origin: germline.

Illumina Laboratory Services, Illumina
Classification: Likely benign for Type II Collagenopathies. Last evaluated: 2018-01-12. Review status: criteria provided, single submitter. Criteria: ICSL Variant Classification Criteria 13 December 2019. Collection method: clinical testing. Allele origin: germline.
Comment: This variant was observed in the ICSL laboratory as part of a predisposition screen in an ostensibly healthy population. It had not been previously curated by ICSL or reported in the Human Gene Mutation Database (HGMD: prior to June 1st, 2018), and was therefore a candidate for classification through an automated scoring system. Utilizing variant allele frequency, disease prevalence and penetrance estimates, and inheritance mode, an automated score was calculated to assess if this variant is too frequent to cause the disease. Based on the score and internal cut-off values, a variant classified as likely benign is not then subjected to further curation. The score for this variant resulted in a classification of likely benign for this disease.

Clinical Genetics DNA and cytogenetics Diagnostics Lab, Erasmus MC, Erasmus Medical Center
Classification: Likely benign. Review status: no assertion criteria provided. Collection method: clinical testing. Allele origin: germline. Affected: yes. Study: VKGL Data-share Consensus. Not counted in ClinVar's aggregate classification.

Laboratory of Diagnostic Genome Analysis, Leiden University Medical Center (LUMC)
Classification: Likely benign. Review status: no assertion criteria provided. Collection method: clinical testing. Allele origin: germline. Affected: yes. Study: VKGL Data-share Consensus. Not counted in ClinVar's aggregate classification.